The following is an entry in ClinVar:

NM_001258392.3(CLPB):c.422C>T (p.Ala141Val)

Gene: CLPB (ClpB family mitochondrial disaggregase; minus strand). Cytogenetic location: 11q13.4.
Variant type: single nucleotide variant.
Coding change: c.422C>T on transcript NM_001258392.3 (MANE Select); coding-DNA position 422, C replaced by T.
Protein change: p.Ala141Val; replaces alanine 141 with valine.
Molecular consequence: missense variant. On other transcripts: synonymous variant (1).
Genome position (GRCh38, 1-based): chr11:72,430,345, G>A on the plus strand (C>T on the coding strand, the complement: CLPB is on the minus strand). VCF-style: chr11-72430345-G-A. GRCh37 (hg19) VCF-style: chr11-72141389-G-A.
Other names: c.422C>T (NM_030813.3); c.422C>T, p.Ala141Val (NM_001258393.3, NM_030813.6); c.180C>T, p.Ser60= (NM_001258394.3); short protein forms A141V.
Identifiers: ClinVar variation 1386992 (VCV001386992.9), dbSNP rs1219520636, ClinGen allele CA381962679.

ClinVar aggregate classification (germline): Uncertain significance. Review status: criteria provided, multiple submitters, no conflicts (2 of 4 stars). 2 submissions from 2 submitters: Uncertain significance (2). Last evaluated 2024-11-13.

Conditions:
3-methylglutaconic aciduria, type VIIB (MGCA7B). Also called: CLPB Deficiency; 3-methylglutaconic aciduria with cataracts, neurologic involvement and neutropenia; 3-methylglutaconic aciduria, type VII, with cataracts, neurologic involvement and neutropenia. Identifiers: Orphanet 445038, MedGen C5676893, MONDO:0014561, OMIM 616271.
Inborn genetic diseases. Identifiers: MedGen C0950123, MeSH D030342.

Allele frequency attached by ClinVar (database versions not stated): TOPMed 0.00003.

Submissions (2):

Ambry Genetics
Classification: Uncertain significance for Inborn genetic diseases. Last evaluated: 2024-11-13. Review status: criteria provided, single submitter. Criteria: Ambry Variant Classification Scheme 2023. Collection method: clinical testing. Allele origin: germline.

Labcorp Genetics (formerly Invitae), Labcorp
Classification: Uncertain significance for 3-methylglutaconic aciduria, type VIIB. Last evaluated: 2022-11-08. Review status: criteria provided, single submitter. Criteria: Invitae Variant Classification Sherloc (09022015). Collection method: clinical testing. Allele origin: germline.
Comment: Algorithms developed to predict the effect of missense changes on protein structure and function are either unavailable or do not agree on the potential impact of this missense change (SIFT: "Deleterious"; PolyPhen-2: "Probably Damaging"; Align-GVGD: "Class C0"). In summary, the available evidence is currently insufficient to determine the role of this variant in disease. Therefore, it has been classified as a Variant of Uncertain Significance. This sequence change replaces alanine, which is neutral and non-polar, with valine, which is neutral and non-polar, at codon 141 of the CLPB protein (p.Ala141Val). This variant is not present in population databases (gnomAD no frequency). This variant has not been reported in the literature in individuals affected with CLPB-related conditions. ClinVar contains an entry for this variant (Variation ID: 1386992).